The following is an entry in ClinVar:

ClinVar aggregate classification (germline): Uncertain significance (1 of 4 stars; one submission).

Conditions:
Hypertrophic cardiomyopathy 14. Identifiers: MedGen C2750467, MONDO:0013197, OMIM 613251.

Submission:

Labcorp Genetics (formerly Invitae), Labcorp
Classification: Uncertain significance for Hypertrophic cardiomyopathy 14. Last evaluated: 2024-09-30. Review status: criteria provided, single submitter. Criteria: Invitae Variant Classification Sherloc (09022015). Collection method: clinical testing. Allele origin: germline.
Comment: This sequence change creates a premature translational stop signal (p.Tyr360*) in the MYH6 gene. It is expected to result in an absent or disrupted protein product. However, the current clinical and genetic evidence is not sufficient to establish whether loss-of-function variants in MYH6 cause disease. This variant is not present in population databases (gnomAD no frequency). This variant has not been reported in the literature in individuals affected with MYH6-related conditions. In summary, the available evidence is currently insufficient to determine the role of this variant in disease. Therefore, it has been classified as a Variant of Uncertain Significance.

NM_002471.4(MYH6):c.1080C>A (p.Tyr360Ter)

Gene: MYH6 (myosin heavy chain 6; minus strand). Cytogenetic location: 14q11.2.
Variant type: single nucleotide variant.
Coding change: c.1080C>A on transcript NM_002471.4 (MANE Select); coding-DNA position 1080, C replaced by A.
Protein change: p.Tyr360Ter; replaces tyrosine 360 with a stop codon.
Molecular consequence: nonsense.
Genome position (GRCh38, 1-based): chr14:23,402,525, G>T on the plus strand (C>A on the coding strand, the complement: MYH6 is on the minus strand). VCF-style: chr14-23402525-G-T. GRCh37 (hg19) VCF-style: chr14-23871734-G-T.
Other names: short protein forms Y360*.
Identifiers: ClinVar variation 3669550 (VCV003669550.2).